The following is an entry in ClinVar:

ClinVar aggregate classification (germline): Likely benign (0 of 4 stars; one submission).

Conditions:
ARHGDIA-related disorder. Also called: ARHGDIA-related condition.

Allele frequency attached by ClinVar (database versions not stated): TOPMed 0.00006; gnomAD exomes 0.00008; gnomAD 0.00009; 1000 Genomes Project 30x 0.00016; 1000 Genomes Project 0.00020.

Submission:

PreventionGenetics, part of Exact Sciences
Classification: Likely benign for ARHGDIA-related condition. Last evaluated: 2019-12-20. Review status: no assertion criteria provided. Collection method: clinical testing. Allele origin: germline.
Comment: This variant is classified as likely benign based on ACMG/AMP sequence variant interpretation guidelines (Richards et al. 2015 PMID: 25741868, with internal and published modifications).

NM_004309.6(ARHGDIA):c.*217C>T

Gene: ARHGDIA (Rho GDP dissociation inhibitor alpha; minus strand). Cytogenetic location: 17q25.3.
Variant type: single nucleotide variant.
Coding change: c.*217C>T on transcript NM_004309.6 (MANE Select); 217 bases downstream of the stop codon, C replaced by T.
Molecular consequence: 3 prime UTR variant. On other transcripts: synonymous variant (1), non-coding transcript variant (1), intron variant (2).
Genome position (GRCh38, 1-based): chr17:81,868,659, G>A on the plus strand (C>T on the coding strand, the complement: ARHGDIA is on the minus strand). VCF-style: chr17-81868659-G-A. GRCh37 (hg19) VCF-style: chr17-79826535-G-A.
Other names: c.*217C>T (NM_001185077.3, NM_001185078.3, NM_001301243.2); c.720C>T, p.Leu240= (NM_001301242.2); c.503-75C>T (NM_001301240.2, NM_001301241.2).
Identifiers: ClinVar variation 3044624 (VCV003044624.2), dbSNP rs532896353, ClinGen allele CA8843127.
Genomic context (GRCh38, chr17:81,868,659, plus strand): 5'-AAGGGCAGCAGAGGCCTGGCTGCGGCCTCTCTCCCCCACAGCACAGGCAGAAGCAGCAAC[G>A]AGACAGGAGACCGAGGAGGCTGGGCCTGTGGGTGGGGGAGGGCTGAGGAGGGGGGTCGGA-3'